The following is an entry in ClinVar:

NM_139215.3(TAF15):c.645C>G (p.His215Gln)

Gene: TAF15 (TATA-box binding protein associated factor 15; plus strand). Cytogenetic location: 17q12.
Variant type: single nucleotide variant.
Coding change: c.645C>G on transcript NM_139215.3 (MANE Select); coding-DNA position 645, C replaced by G.
Protein change: p.His215Gln; replaces histidine 215 with glutamine.
Molecular consequence: missense variant.
Genome position (GRCh38, 1-based): chr17:35,834,570, C>G. VCF-style: chr17-35834570-C-G. GRCh37 (hg19) VCF-style: chr17-34161574-C-G.
Other names: NC_000017.10:g.34161574C>G; c.636C>G, p.His212Gln (NM_003487.4); short protein forms H212Q, H215Q.
Identifiers: ClinVar variation 3054340 (VCV003054340.3), dbSNP rs201942273, ClinGen allele CA290035495.

ClinVar aggregate classification (germline): Likely benign (0 of 4 stars; one submission).

Conditions:
TAF15-related disorder. Also called: TAF15-related condition.

Allele frequency attached by ClinVar (database versions not stated): TOPMed 0.00012; gnomAD 0.00013; ExAC 0.00016.
gnomAD v4.1: 206 of 1,612,902 alleles (0.013%); highest among the groups gnomAD compares: Admixed American, 0.0067%; no homozygotes.

Submissions (2):

PreventionGenetics, part of Exact Sciences
Classification: Likely benign for TAF15-related condition. Last evaluated: 2022-12-08. Review status: no assertion criteria provided. Collection method: clinical testing. Allele origin: germline.
Comment: This variant is classified as likely benign based on ACMG/AMP sequence variant interpretation guidelines (Richards et al. 2015 PMID: 25741868, with internal and published modifications).

Dr. Peter K. Rogan Lab, Western University
No classification provided (evidence only). Condition: Colon adenocarcinoma. Review status: no classification provided. Collection method: in vitro. Allele origin: not applicable. Functional consequence: retained intron. Not counted in ClinVar's aggregate classification.